The following is an entry in ClinVar:

NM_004656.4(BAP1):c.1139G>T (p.Gly380Val)

Gene: BAP1 (BRCA1 associated deubiquitinase 1; minus strand). Cytogenetic location: 3p21.1.
Variant type: single nucleotide variant.
Coding change: c.1139G>T on transcript NM_004656.4 (MANE Select); coding-DNA position 1139, G replaced by T.
Protein change: p.Gly380Val; replaces glycine 380 with valine.
Molecular consequence: missense variant.
Genome position (GRCh38, 1-based): chr3:52,404,564, C>A on the plus strand (G>T on the coding strand, the complement: BAP1 is on the minus strand). VCF-style: chr3-52404564-C-A. GRCh37 (hg19) VCF-style: chr3-52438580-C-A.
Other names: c.1085G>T, p.Gly362Val (NM_001410772.1); short protein forms G362V, G380V.
Identifiers: ClinVar variation 3987114 (VCV003987114.1).
Genomic context (GRCh38, chr3:52,404,564, plus strand): 5'-TCATCCTCATCATCTGAGTACTGCTGGGGTGGGCGGACTGGAACTCGGCTGCGGCCCACA[C>A]CTGCCGCCAGGTCTTCTTCCTCCTGGGACAAAGACCAGGGCAGTTACAAACAAGTGCTGC-3'
Protein context (NP_004647.1, residues 370-390): PMQEEEDLAA[Gly380Val]VGRSRVPVRP

ClinVar aggregate classification (germline): Uncertain significance (1 of 4 stars; one submission).

Conditions:
Hereditary cancer-predisposing syndrome. Also called: Tumor predisposition; Hereditary neoplastic syndrome; Neoplastic Syndromes, Hereditary; Hereditary Cancer Syndrome. Identifiers: Orphanet 140162, MedGen C0027672, MeSH D009386, MONDO:0015356.

Submission:

Ambry Genetics
Classification: Uncertain significance for Hereditary cancer-predisposing syndrome. Last evaluated: 2025-05-25. Review status: criteria provided, single submitter. Criteria: Ambry Variant Classification Scheme 2023. Collection method: clinical testing. Allele origin: germline.
Comment: The p.G380V variant (also known as c.1139G>T), located in coding exon 12 of the BAP1 gene, results from a G to T substitution at nucleotide position 1139. The glycine at codon 380 is replaced by valine, an amino acid with dissimilar properties. This amino acid position is highly conserved in available vertebrate species. In addition, the in silico prediction for this alteration is inconclusive. Based on the available evidence, the clinical significance of this variant remains unclear.